The following is an entry in ClinVar:

NM_024818.6(UBA5):c.276G>C (p.Leu92=)

Genes: NPHP3-ACAD11 (NPHP3-ACAD11 readthrough (NMD candidate); minus strand), UBA5 (ubiquitin like modifier activating enzyme 5; plus strand). Cytogenetic location: 3q22.1.
Variant type: single nucleotide variant.
Coding change: c.276G>C on transcript NM_024818.6 (MANE Select); coding-DNA position 276, G replaced by C.
Protein change: p.Leu92=; no amino-acid change (leucine 92 retained).
Molecular consequence: synonymous variant. On other transcripts: intron variant (2).
Genome position (GRCh38, 1-based): chr3:132,666,052, G>C. VCF-style: chr3-132666052-G-C. GRCh37 (hg19) VCF-style: chr3-132384896-G-C.
Other names: c.108G>C, p.Leu36= (NM_001320210.2, NM_198329.4); c.-39-2766G>C (NM_001321239.1); c.28-2766G>C (NM_001321238.2); c.276G>C (NM_024818.4).
Identifiers: ClinVar variation 2151196 (VCV002151196.7), dbSNP rs762502767, ClinGen allele CA2621314.

ClinVar aggregate classification (germline): Likely benign. Review status: criteria provided, multiple submitters, no conflicts (2 of 4 stars). 3 submissions from 3 submitters: Likely benign (2). 1 of the submissions does not count toward it. Last evaluated 2025-07-21.

Conditions:
UBA5-related disorder. Also called: UBA5-related condition; UBA5-related disorders.

Allele frequency attached by ClinVar (database versions not stated): TOPMed below 0.00001; gnomAD 0.00003; gnomAD exomes 0.00004; ExAC 0.00010.
gnomAD v4.1: 64 of 1,613,362 alleles (0.004%); highest among the groups gnomAD compares: South Asian, 0.065%; 1 homozygote.

Submissions (3):

Labcorp Genetics (formerly Invitae), Labcorp
Classification: Likely benign. Last evaluated: 2025-07-21. Review status: criteria provided, single submitter. Criteria: Invitae Variant Classification Sherloc (09022015). Collection method: clinical testing. Allele origin: germline.

Blueprint Genetics
Classification: Likely benign. Last evaluated: 2023-08-15. Review status: criteria provided, single submitter. Criteria: ACMG Guidelines, 2015. Collection method: clinical testing. Allele origin: germline.

PreventionGenetics, part of Exact Sciences
Classification: Likely benign for UBA5-related condition. Last evaluated: 2020-09-03. Review status: no assertion criteria provided. Collection method: clinical testing. Allele origin: germline. Not counted in ClinVar's aggregate classification.
Comment: This variant is classified as likely benign based on ACMG/AMP sequence variant interpretation guidelines (Richards et al. 2015 PMID: 25741868, with internal and published modifications).